The following is an entry in ClinVar:

NM_002350.4(LYN):c.604C>G (p.Pro202Ala)

Gene: LYN (LYN proto-oncogene, Src family tyrosine kinase; plus strand). Cytogenetic location: 8q12.1.
Variant type: single nucleotide variant.
Coding change: c.604C>G on transcript NM_002350.4 (MANE Select); coding-DNA position 604, C replaced by G.
Protein change: p.Pro202Ala; replaces proline 202 with alanine.
Molecular consequence: missense variant.
Genome position (GRCh38, 1-based): chr8:55,952,082, C>G. VCF-style: chr8-55952082-C-G. GRCh37 (hg19) VCF-style: chr8-56864641-C-G.
Other names: c.541C>G, p.Pro181Ala (NM_001111097.3); short protein forms P202A, P181A.
Identifiers: ClinVar variation 2180907 (VCV002180907.4), dbSNP rs1450616523, ClinGen allele CA371281555.

ClinVar aggregate classification (germline): Uncertain significance (1 of 4 stars; one submission).

gnomAD v4.1: 8 of 1,601,270 alleles (0.0005%); no homozygotes.

Submission:

Labcorp Genetics (formerly Invitae), Labcorp
Classification: Uncertain significance. Last evaluated: 2024-04-14. Review status: criteria provided, single submitter. Criteria: Invitae Variant Classification Sherloc (09022015). Collection method: clinical testing. Allele origin: germline.
Comment: This sequence change replaces proline, which is neutral and non-polar, with alanine, which is neutral and non-polar, at codon 202 of the LYN protein (p.Pro202Ala). This variant is not present in population databases (gnomAD no frequency). This variant has not been reported in the literature in individuals affected with LYN-related conditions. ClinVar contains an entry for this variant (Variation ID: 2180907). An algorithm developed to predict the effect of missense changes on protein structure and function (PolyPhen-2) suggests that this variant is likely to be tolerated. In summary, the available evidence is currently insufficient to determine the role of this variant in disease. Therefore, it has been classified as a Variant of Uncertain Significance.